The following is an entry in ClinVar:

ClinVar aggregate classification (germline): Uncertain significance. Review status: criteria provided, multiple submitters, no conflicts (2 of 4 stars). 5 submissions from 5 submitters: Uncertain significance (5). Last evaluated 2025-09-08.

Conditions:
Brugada syndrome 3 (BRGDA3). Identifiers: Orphanet 130, MedGen C2678478, MONDO:0012742, OMIM 611875.
Long QT syndrome 8. Identifiers: MedGen CN260585, MONDO:0032756, OMIM 618447.
Timothy syndrome (TS). Also called: LONG QT SYNDROME WITH SYNDACTYLY. Identifiers: Orphanet 65283, MedGen C1832916, MeSH C536962, MONDO:0010979, OMIM 601005.
Cardiovascular phenotype. Identifiers: MedGen CN230736.
Long QT syndrome (LQTS). Identifiers: MedGen C0023976, MeSH D008133, MONDO:0002442. Disease mechanism: loss of function. Inheritance: Various modes of inheritance.

Allele frequency attached by ClinVar (database versions not stated): TOPMed 0.00002; ExAC 0.00003.
gnomAD v4.1: 9 of 1,613,664 alleles (0.00056%); highest among the groups gnomAD compares: African/African-American, 0.0013%; no homozygotes.

Submissions (5):

Labcorp Genetics (formerly Invitae), Labcorp
Classification: Uncertain significance for Long QT syndrome. Last evaluated: 2025-09-08. Review status: criteria provided, single submitter. Criteria: Invitae Variant Classification Sherloc (09022015). Collection method: clinical testing. Allele origin: germline.
Comment: This sequence change replaces glycine, which is neutral and non-polar, with arginine, which is basic and polar, at codon 1662 of the CACNA1C protein (p.Gly1662Arg). This variant is present in population databases (rs778011390, gnomAD 0.003%). This variant has not been reported in the literature in individuals affected with CACNA1C-related conditions. ClinVar contains an entry for this variant (Variation ID: 190676). Invitae Evidence Modeling of protein sequence and biophysical properties (such as structural, functional, and spatial information, amino acid conservation, physicochemical variation, residue mobility, and thermodynamic stability) has been performed for this missense variant. However, the output from this modeling did not meet the statistical confidence thresholds required to predict the impact of this variant on CACNA1C protein function. In summary, the available evidence is currently insufficient to determine the role of this variant in disease. Therefore, it has been classified as a Variant of Uncertain Significance.

Women's Health and Genetics/Laboratory Corporation of America, LabCorp
Classification: Uncertain significance. Last evaluated: 2022-05-21. Review status: criteria provided, single submitter. Criteria: LabCorp Variant Classification Summary - May 2015. Collection method: clinical testing. Allele origin: germline.

Fulgent Genetics
Classification: Uncertain significance for Timothy syndrome; Brugada syndrome 3; Long QT syndrome 8. Last evaluated: 2021-08-31. Review status: criteria provided, single submitter. Criteria: ACMG Guidelines, 2015. Collection method: clinical testing. Allele origin: unknown.

Ambry Genetics
Classification: Uncertain significance for Cardiovascular phenotype. Last evaluated: 2020-11-20. Review status: criteria provided, single submitter. Criteria: Ambry Variant Classification Scheme 2023. Collection method: clinical testing. Allele origin: germline.
Comment: The p.G1662R variant (also known as c.4984G>A), located in coding exon 41 of the CACNA1C gene, results from a G to A substitution at nucleotide position 4984. The glycine at codon 1662 is replaced by arginine, an amino acid with dissimilar properties. This amino acid position is highly conserved in available vertebrate species. In addition, this alteration is predicted to be deleterious by in silico analysis. Since supporting evidence is limited at this time, the clinical significance of this alteration remains unclear.

GeneDx
Classification: Uncertain significance. Last evaluated: 2013-12-09. Review status: criteria provided, single submitter. Criteria: GeneDx Variant Classification (06012015). Collection method: clinical testing. Allele origin: germline. Affected: yes.
Comment: p.Gly1662Arg (GGG>AGG): c.4984 G>A in exon 41 of the CACNA1C gene (NM_000719.6). The Gly1662Arg variant in the CACNA1C gene has not been reported as a disease-causing mutation or as a benign polymorphism to our knowledge. Gly1662Arg results in a non-conservative amino acid substitution of a non-polar Glycine with a positively charged Arginine at a position that is conserved across species. In silico analysis predicts Gly1662Arg is damaging to the protein structure/function. The Gly1662Arg variant was not observed in approximately 6,500 individuals of European and African American ancestry in the NHLBI Exome Sequencing Project, indicating it is not a common benign variant in these populations. However, no mutations in nearby residues have been reported in association with arrhythmia, suggesting this region of the protein may be tolerant to change. With the clinical and molecular information available at this time, we cannot definitively determine if Gly1662Arg is a disease-causing mutation or a rare benign variant. The variant is found in ARRHYTHMIA panel(s).

NM_000719.7(CACNA1C):c.4984G>A (p.Gly1662Arg)

Genes: CACNA1C (calcium voltage-gated channel subunit alpha1 C; plus strand), CACNA1C-AS1 (CACNA1C antisense RNA 1; minus strand). Cytogenetic location: 12p13.33.
Variant type: single nucleotide variant.
Coding change: c.4984G>A on transcript NM_000719.7 (MANE Select); coding-DNA position 4984, G replaced by A.
Protein change: p.Gly1662Arg; replaces glycine 1662 with arginine.
Molecular consequence: missense variant. On other transcripts: non-coding transcript variant (1).
Genome position (GRCh38, 1-based): chr12:2,677,760, G>A. VCF-style: chr12-2677760-G-A. GRCh37 (hg19) VCF-style: chr12-2786926-G-A.
Other names: p.G1662R:GGG>AGG; c.5107G>A, p.Gly1703Arg (NM_001129829.2); c.4984G>A, p.Gly1662Arg (NM_001129830.3, NM_001129840.2, NM_001129841.2 and 4 more transcripts); c.5068G>A, p.Gly1690Arg (NM_001129831.2); c.5044G>A, p.Gly1682Arg (NM_001129832.2); c.5041G>A, p.Gly1681Arg (NM_001129833.2, NM_001129834.2, NM_001129835.2); c.5035G>A, p.Gly1679Arg (NM_001129836.2); c.5008G>A, p.Gly1670Arg (NM_001129837.2, NM_001129838.2); and 4 more; short protein forms G1662R, G1710R, G1670R, G1690R, G1703R, G1659R, G1681R, G1682R.
Identifiers: ClinVar variation 190676 (VCV000190676.15), dbSNP rs778011390, ClinGen allele CA301551.